The following is an entry in ClinVar:

NM_001134363.3(RBM20):c.1498A>T (p.Thr500Ser)

Gene: RBM20 (RNA binding motif protein 20; plus strand). Cytogenetic location: 10q25.2.
Variant type: single nucleotide variant.
Coding change: c.1498A>T on transcript NM_001134363.3 (MANE Select); coding-DNA position 1498, A replaced by T.
Protein change: p.Thr500Ser; replaces threonine 500 with serine.
Molecular consequence: missense variant.
Genome position (GRCh38, 1-based): chr10:110,784,860, A>T. VCF-style: chr10-110784860-A-T. GRCh37 (hg19) VCF-style: chr10-112544618-A-T.
Other names: c.1498A>T (NM_001134363.1); short protein forms T500S.
Identifiers: ClinVar variation 1403765 (VCV001403765.7), dbSNP rs1452282601, ClinGen allele CA378388500.
Genomic context (GRCh38, chr10:110,784,860, plus strand): 5'-TCAAATCTTGGAACATCATACGTGCCCATTCCAGCAAGGTCATTCACTCAGTCAAGCCCC[A>T]CATTTCCTTTGGCTTCTGTGGGGACAACTGTGAGTACGGAAACATTTTCTCTAGAAATTA-3'
Protein context (NP_001127835.2, residues 490-510): PARSFTQSSP[Thr500Ser]FPLASVGTTF

ClinVar aggregate classification (germline): Uncertain significance. Review status: criteria provided, multiple submitters, no conflicts (2 of 4 stars). 2 submissions from 2 submitters: Uncertain significance (2). Last evaluated 2023-11-26.

Conditions:
Dilated cardiomyopathy 1DD (CMD1DD). Identifiers: Orphanet 154, MedGen C2750995, MONDO:0013168, OMIM 613172.
Cardiovascular phenotype. Identifiers: MedGen CN230736.

Allele frequency attached by ClinVar (database versions not stated): gnomAD 0.00001; TOPMed 0.00001.
gnomAD v4.1: 2 of 1,550,194 alleles (0.00013%); highest among the groups gnomAD compares: African/African-American, 0.0027%; no homozygotes.

Submissions (2):

Ambry Genetics
Classification: Uncertain significance for Cardiovascular phenotype. Last evaluated: 2023-11-26. Review status: criteria provided, single submitter. Criteria: Ambry Variant Classification Scheme 2023. Collection method: clinical testing. Allele origin: germline.
Comment: The p.T500S variant (also known as c.1498A>T), located in coding exon 5 of the RBM20 gene, results from an A to T substitution at nucleotide position 1498. The threonine at codon 500 is replaced by serine, an amino acid with similar properties. This amino acid position is conserved. In addition, this alteration is predicted to be tolerated by in silico analysis. Since supporting evidence is limited at this time, the clinical significance of this alteration remains unclear.

Labcorp Genetics (formerly Invitae), Labcorp
Classification: Uncertain significance for Dilated cardiomyopathy 1DD. Last evaluated: 2021-11-02. Review status: criteria provided, single submitter. Criteria: Invitae Variant Classification Sherloc (09022015). Collection method: clinical testing. Allele origin: germline.
Comment: In summary, the available evidence is currently insufficient to determine the role of this variant in disease. Therefore, it has been classified as a Variant of Uncertain Significance. Advanced modeling of protein sequence and biophysical properties (such as structural, functional, and spatial information, amino acid conservation, physicochemical variation, residue mobility, and thermodynamic stability) performed at Invitae indicates that this missense variant is not expected to disrupt RBM20 protein function. This sequence change replaces threonine, which is neutral and polar, with serine, which is neutral and polar, at codon 500 of the RBM20 protein (p.Thr500Ser). This variant is not present in population databases (gnomAD no frequency). This variant has not been reported in the literature in individuals affected with RBM20-related conditions.